The following is an entry in ClinVar:

NM_001378120.1(MBD5):c.4384G>A (p.Glu1462Lys)

Gene: MBD5 (methyl-CpG binding domain protein 5; plus strand). Cytogenetic location: 2q23.1.
Variant type: single nucleotide variant.
Coding change: c.4384G>A on transcript NM_001378120.1 (MANE Select); coding-DNA position 4384, G replaced by A.
Protein change: p.Glu1462Lys; replaces glutamic acid 1462 with lysine.
Molecular consequence: missense variant.
Genome position (GRCh38, 1-based): chr2:148,490,016, G>A. VCF-style: chr2-148490016-G-A. GRCh37 (hg19) VCF-style: chr2-149247585-G-A.
Other names: c.3685G>A, p.Glu1229Lys (NM_018328.5); short protein forms E1229K, E1462K.
Identifiers: ClinVar variation 3651249 (VCV003651249.2).

ClinVar aggregate classification (germline): Uncertain significance (1 of 4 stars; one submission).

Conditions:
Intellectual developmental disorder, autosomal dominant 1. Also called: MBD5 Haploinsufficiency; Intellectual disability, autosomal dominant 1. Identifiers: Orphanet 228402, MedGen C1969562, MONDO:0007974, OMIM 156200.

Submission:

Labcorp Genetics (formerly Invitae), Labcorp
Classification: Uncertain significance for Intellectual developmental disorder, autosomal dominant 1. Last evaluated: 2024-04-25. Review status: criteria provided, single submitter. Criteria: Invitae Variant Classification Sherloc (09022015). Collection method: clinical testing. Allele origin: germline.
Comment: This sequence change replaces glutamic acid, which is acidic and polar, with lysine, which is basic and polar, at codon 1229 of the MBD5 protein (p.Glu1229Lys). This variant is not present in population databases (gnomAD no frequency). This variant has not been reported in the literature in individuals affected with MBD5-related conditions. Experimental studies and prediction algorithms are not available or were not evaluated, and the functional significance of this variant is currently unknown. In summary, the available evidence is currently insufficient to determine the role of this variant in disease. Therefore, it has been classified as a Variant of Uncertain Significance.